The following is an entry in ClinVar:

NM_001005242.3(PKP2):c.118C>G (p.Leu40Val)

Gene: PKP2 (plakophilin 2; minus strand). Cytogenetic location: 12p11.21.
Variant type: single nucleotide variant.
Coding change: c.118C>G on transcript NM_001005242.3 (MANE Select); coding-DNA position 118, C replaced by G.
Protein change: p.Leu40Val; replaces leucine 40 with valine.
Molecular consequence: missense variant.
Genome position (GRCh38, 1-based): chr12:32,896,614, G>C on the plus strand (C>G on the coding strand, the complement: PKP2 is on the minus strand). VCF-style: chr12-32896614-G-C. GRCh37 (hg19) VCF-style: chr12-33049548-G-C.
Other names: c.118C>G, p.Leu40Val (NM_004572.4); short protein forms L40V.
Identifiers: ClinVar variation 920866 (VCV000920866.15), dbSNP rs1039022167, ClinGen allele CA384371284.

ClinVar aggregate classification (germline): Uncertain significance. Review status: criteria provided, multiple submitters, no conflicts (2 of 4 stars). 4 submissions from 4 submitters: Uncertain significance (4). Last evaluated 2024-04-10.

Conditions:
Cardiovascular phenotype. Identifiers: MedGen CN230736.
Arrhythmogenic right ventricular cardiomyopathy (ARVD). Also called: Arrhythmogenic cardiomyopathy; Cardiomyopathy, ARVC; Arrhythmogenic right ventricular dysplasia; Arrhythmogenic Right Ventricular Cardiomyopathy (ARVC). Identifiers: Orphanet 247, MedGen C0349788, MeSH D019571, MONDO:0016587. Disease mechanism: loss of function. Inheritance: Various modes of inheritance.
Cardiomyopathy (CMYO). Also called: Cardiomyopathies. Identifiers: Orphanet 167848, MedGen C0878544, MONDO:0004994, HP:0001638. Inheritance: Various modes of inheritance.
Arrhythmogenic right ventricular dysplasia 9 (ARVD9). Also called: Arrhythmogenic Right Ventricular Dysplasia/Cardiomyopathy 9; ARRHYTHMOGENIC RIGHT VENTRICULAR DYSPLASIA, FAMILIAL, 9. Identifiers: MedGen C1836906, MONDO:0012180, OMIM 609040.

Allele frequency attached by ClinVar (database versions not stated): gnomAD exomes 0.00001; TOPMed 0.00001.
gnomAD v4.1: 19 of 1,584,412 alleles (0.0012%); highest among the groups gnomAD compares: Non-Finnish European, 0.0016%; no homozygotes.

Submissions (4):

All of Us Research Program, National Institutes of Health
Classification: Uncertain significance for Arrhythmogenic right ventricular cardiomyopathy. Last evaluated: 2024-04-10. Review status: criteria provided, single submitter. Criteria: ACMG Guidelines, 2015. Collection method: clinical testing. Allele origin: germline. Inheritance: Autosomal dominant inheritance. Observed: 1 variant allele, 1 heterozygote.
Comment: This missense variant replaces leucine with valine at codon 40 of the PKP2 protein. Computational prediction suggests that this variant may not impact protein structure and function (internally defined REVEL score threshold <= 0.5, PMID: 27666373). To our knowledge, functional studies have not been reported for this variant. This variant has not been reported in individuals affected with cardiovascular disorders in the literature. This variant has not been identified in the general population by the Genome Aggregation Database (gnomAD). The available evidence is insufficient to determine the role of this variant in disease conclusively. Therefore, this variant is classified as a Variant of Uncertain Significance.

This study involves interpretation of variants in research participants for the purpose of population health screening. Participant phenotype was not available at the time of variant classification. Additional details can be found in publication PMID: 35346344, PMCID: PMC8962531

Color Diagnostics, LLC DBA Color Health
Classification: Uncertain significance for Cardiomyopathy. Last evaluated: 2024-03-06. Review status: criteria provided, single submitter. Criteria: ACMG Guidelines, 2015. Collection method: clinical testing. Allele origin: germline.
Comment: This missense variant replaces leucine with valine at codon 40 of the PKP2 protein. Computational prediction suggests that this variant may not impact protein structure and function (internally defined REVEL score threshold <= 0.5, PMID: 27666373). To our knowledge, functional studies have not been reported for this variant. This variant has not been reported in individuals affected with cardiovascular disorders in the literature. This variant has not been identified in the general population by the Genome Aggregation Database (gnomAD). The available evidence is insufficient to determine the role of this variant in disease conclusively. Therefore, this variant is classified as a Variant of Uncertain Significance.

Labcorp Genetics (formerly Invitae), Labcorp
Classification: Uncertain significance for Arrhythmogenic right ventricular dysplasia 9. Last evaluated: 2023-01-29. Review status: criteria provided, single submitter. Criteria: Invitae Variant Classification Sherloc (09022015). Collection method: clinical testing. Allele origin: germline.
Comment: This sequence change replaces leucine, which is neutral and non-polar, with valine, which is neutral and non-polar, at codon 40 of the PKP2 protein (p.Leu40Val). This variant is not present in population databases (gnomAD no frequency). This variant has not been reported in the literature in individuals affected with PKP2-related conditions. ClinVar contains an entry for this variant (Variation ID: 920866). Algorithms developed to predict the effect of missense changes on protein structure and function (SIFT, PolyPhen-2, Align-GVGD) all suggest that this variant is likely to be tolerated. In summary, the available evidence is currently insufficient to determine the role of this variant in disease. Therefore, it has been classified as a Variant of Uncertain Significance.

Ambry Genetics
Classification: Uncertain significance for Cardiovascular phenotype. Last evaluated: 2021-08-22. Review status: criteria provided, single submitter. Criteria: Ambry Variant Classification Scheme 2023. Collection method: clinical testing. Allele origin: germline.
Comment: The p.L40V variant (also known as c.118C>G), located in coding exon 1 of the PKP2 gene, results from a C to G substitution at nucleotide position 118. The leucine at codon 40 is replaced by valine, an amino acid with highly similar properties. This amino acid position is conserved. In addition, this alteration is predicted to be tolerated by in silico analysis. Since supporting evidence is limited at this time, the clinical significance of this alteration remains unclear.